The following is an entry in ClinVar:

ClinVar aggregate classification (germline): Benign/Likely benign. Review status: criteria provided, multiple submitters, no conflicts (2 of 4 stars). 4 submissions from 4 submitters: Benign (3); Likely benign (1). Last evaluated 2026-02-02.

Conditions:
Fanconi anemia (FA). Also called: Fanconi's anemia. Identifiers: Orphanet 84, MedGen C0015625, MeSH D005199, MONDO:0019391.
Fanconi anemia complementation group C (FANCC). Also called: FANCC-Related Fanconi Anemia; FANCONI PANCYTOPENIA, TYPE 3; FACC; Fanconi anemia, group C. Identifiers: Orphanet 84, MedGen C3468041, MONDO:0009213, OMIM 227645.

Allele frequency attached by ClinVar (database versions not stated): gnomAD 0.00385 and 0.00411; TOPMed 0.00445; 1000 Genomes Project 0.00519; 1000 Genomes Project 30x 0.00547.

Submissions (4):

Labcorp Genetics (formerly Invitae), Labcorp
Classification: Benign for Fanconi anemia. Last evaluated: 2026-02-02. Review status: criteria provided, single submitter. Criteria: Invitae Variant Classification Sherloc (09022015). Collection method: clinical testing. Allele origin: germline.

Blueprint Genetics
Classification: Benign. Last evaluated: 2024-11-14. Review status: criteria provided, single submitter. Criteria: ACMG Guidelines, 2015. Collection method: clinical testing. Allele origin: germline.

Illumina Laboratory Services, Illumina
Classification: Benign for Fanconi anemia complementation group C. Last evaluated: 2018-01-12. Review status: criteria provided, single submitter. Criteria: ICSL Variant Classification Criteria 13 December 2019. Collection method: clinical testing. Allele origin: germline.
Comment: This variant was observed in the ICSL laboratory as part of a predisposition screen in an ostensibly healthy population. It had not been previously curated by ICSL or reported in the Human Gene Mutation Database (HGMD: prior to June 1st, 2018), and was therefore a candidate for classification through an automated scoring system. Utilizing variant allele frequency, disease prevalence and penetrance estimates, and inheritance mode, an automated score was calculated to assess if this variant is too frequent to cause the disease. Based on the score and internal cut-off values, a variant classified as benign is not then subjected to further curation. The score for this variant resulted in a classification of benign for this disease.

GeneDx
Classification: Likely benign. Last evaluated: 2017-12-26. Review status: criteria provided, single submitter. Criteria: GeneDx Variant Classification (06012015). Collection method: clinical testing. Allele origin: germline. Affected: yes.
Comment: This variant is considered likely benign or benign based on one or more of the following criteria: it is a conservative change, it occurs at a poorly conserved position in the protein, it is predicted to be benign by multiple in silico algorithms, and/or has population frequency not consistent with disease.

NM_000136.3(FANCC):c.-79+5G>A

Gene: FANCC (FA complementation group C; minus strand). Cytogenetic location: 9q22.32.
Variant type: single nucleotide variant.
Coding change: c.-79+5G>A on transcript NM_000136.3 (MANE Select); 5 bases into the intron after 79 bases upstream of the start codon, G replaced by A.
Molecular consequence: intron variant.
Genome position (GRCh38, 1-based): chr9:95,317,521, C>T on the plus strand (G>A on the coding strand, the complement: FANCC is on the minus strand). VCF-style: chr9-95317521-C-T. GRCh37 (hg19) VCF-style: chr9-98079803-C-T.
Other names: c.-79+5G>A (NM_001243744.2).
Identifiers: ClinVar variation 127528 (VCV000127528.16), dbSNP rs4647350, ClinGen allele CA287177.